The following is an entry in ClinVar:

ClinVar aggregate classification (germline): Likely benign (1 of 4 stars; one submission).

Allele frequency attached by ClinVar (database versions not stated): gnomAD exomes below 0.00001; TOPMed below 0.00001.
gnomAD v4.1: 4 of 1,612,920 alleles (0.00025%); highest among the groups gnomAD compares: Admixed American, 0.0017%; no homozygotes.

Submission:

CeGaT Center for Human Genetics Tuebingen
Classification: Likely benign. Last evaluated: 2022-11-01. Review status: criteria provided, single submitter. Criteria: CeGaT Center For Human Genetics Tuebingen Variant Classification Criteria Version 2. Collection method: clinical testing. Allele origin: germline. Affected: yes. Observed: 1 variant allele.
Comment: PMVK: BP4

NM_006556.4(PMVK):c.436A>T (p.Thr146Ser)

Gene: PMVK (phosphomevalonate kinase; minus strand). Cytogenetic location: 1q21.3.
Variant type: single nucleotide variant.
Coding change: c.436A>T on transcript NM_006556.4 (MANE Select); coding-DNA position 436, A replaced by T.
Protein change: p.Thr146Ser; replaces threonine 146 with serine.
Molecular consequence: missense variant.
Genome position (GRCh38, 1-based): chr1:154,926,360, T>A on the plus strand (A>T on the coding strand, the complement: PMVK is on the minus strand). VCF-style: chr1-154926360-T-A. GRCh37 (hg19) VCF-style: chr1-154898836-T-A.
Other names: c.394A>T, p.Thr132Ser (NM_001323011.3); c.211A>T, p.Thr71Ser (NM_001323012.3, NM_001348696.2); short protein forms T132S, T146S, T71S.
Identifiers: ClinVar variation 2639382 (VCV002639382.24), dbSNP rs1350346775, ClinGen allele CA342639066.